The following is an entry in ClinVar:

ClinVar aggregate classification (germline): Uncertain significance. Review status: criteria provided, multiple submitters, no conflicts (2 of 4 stars). 2 submissions from 2 submitters: Uncertain significance (2). Last evaluated 2024-04-23.

Conditions:
Familial adenomatous polyposis 1 (FAP1). Also called: FAMILIAL ADENOMATOUS POLYPOSIS 1, ATTENUATED; POLYPOSIS, ADENOMATOUS INTESTINAL. Identifiers: MedGen C2713442, MONDO:0021056, OMIM 175100. Disease mechanism: loss of function.
Hereditary cancer-predisposing syndrome. Also called: Hereditary Cancer Syndrome; Tumor predisposition; Hereditary neoplastic syndrome; Neoplastic Syndromes, Hereditary. Identifiers: Orphanet 140162, MedGen C0027672, MeSH D009386, MONDO:0015356.

Submissions (2):

Ambry Genetics
Classification: Uncertain significance for Hereditary cancer-predisposing syndrome. Last evaluated: 2024-04-23. Review status: criteria provided, single submitter. Criteria: Ambry Variant Classification Scheme 2023. Collection method: clinical testing. Allele origin: germline.
Comment: The c.2908_2910delAGT variant (also known as p.S970del) is located in coding exon 15 of the APC gene. This variant results from an in-frame AGT deletion at nucleotide positions 2908 to 2910. This results in the in-frame deletion of a serine at codon 970. This amino acid position is well conserved in available vertebrate species. In addition, this alteration is predicted to be deleterious by in silico analysis (Choi Y et al. PLoS ONE. 2012; 7(10):e46688). Since supporting evidence is limited at this time, the clinical significance of this alteration remains unclear.

Labcorp Genetics (formerly Invitae), Labcorp
Classification: Uncertain significance for Familial adenomatous polyposis 1. Last evaluated: 2022-09-19. Review status: criteria provided, single submitter. Criteria: Invitae Variant Classification Sherloc (09022015). Collection method: clinical testing. Allele origin: germline.
Comment: In summary, the available evidence is currently insufficient to determine the role of this variant in disease. Therefore, it has been classified as a Variant of Uncertain Significance. Experimental studies and prediction algorithms are not available or were not evaluated, and the functional significance of this variant is currently unknown. ClinVar contains an entry for this variant (Variation ID: 647203). This variant has not been reported in the literature in individuals affected with APC-related conditions. This variant is present in population databases (rs748463483, gnomAD 0.006%). This variant, c.2908_2910del, results in the deletion of 1 amino acid(s) of the APC protein (p.Ser970del), but otherwise preserves the integrity of the reading frame.

NM_000038.6(APC):c.2902AGT[2] (p.Ser970del)

Gene: APC (APC regulator of Wnt signaling pathway; plus strand). Cytogenetic location: 5q22.2.
Variant type: Microsatellite.
Coding change: c.2902AGT[2] on transcript NM_000038.6 (MANE Select); two copies in a row of the 3-base unit AGT starting at c.2902; the reference has three copies in a row; one copy, 3 bases deleted.
Protein change: p.Ser970del; deletes serine 970.
Molecular consequence: inframe deletion.
Genome position (GRCh38, 1-based): chr5:112,838,502-112,838,504, AGT deleted; deleting any 3 consecutive bases within chr5:112,838,496-112,838,504 gives the same sequence; the position shown is the placement nearest the transcript's 3' end. VCF-style (leftmost placement, unchanged base first): chr5-112838495-CAGT-C. GRCh37 (hg19) VCF-style: chr5-112174192-CAGT-C.
Other names: c.2902AGT[2], p.Ser970del (NM_001127510.3, NM_001354895.2); c.2848AGT[2], p.Ser952del (NM_001127511.3); c.2956AGT[2], p.Ser988del (NM_001354896.2); c.2932AGT[2], p.Ser980del (NM_001354897.2); c.2827AGT[2], p.Ser945del (NM_001354898.2); c.2818AGT[2], p.Ser942del (NM_001354899.2); c.2779AGT[2], p.Ser929del (NM_001354900.2); c.2725AGT[2], p.Ser911del (NM_001354901.2); and 5 more; short protein forms S869del, S970del, S980del, S988del, S810del, S879del, S911del, S945del.
Identifiers: ClinVar variation 647203 (VCV000647203.13), dbSNP rs748463483, ClinGen allele CA033883.